The following is an entry in ClinVar:

ClinVar aggregate classification (germline): Conflicting classifications of pathogenicity. Review status: criteria provided, conflicting classifications (1 of 4 stars). 8 submissions from 8 submitters: Pathogenic (2); Likely pathogenic (4); Uncertain significance (2). Last evaluated 2024-06-12.

Conditions:
Pyridoxine-dependent epilepsy (EPEO4). Also called: Pyridoxine-Dependent Epilepsy - ALDH7A1; EPILEPSY, EARLY-ONSET, 4, VITAMIN B6-DEPENDENT; Pyridoxine-Dependent Seizures; PYRIDOXINE DEPENDENCY WITH SEIZURES. Identifiers: Orphanet 3006, MedGen C1849508, MONDO:0009945, OMIM 266100. Disease mechanism: loss of function.
ALDH7A1-related disorder. Also called: ALDH7A1-related condition.

Allele frequency attached by ClinVar (database versions not stated): gnomAD 0.00001; gnomAD exomes 0.00003 and 0.00004; ExAC 0.00004; 1000 Genomes Project 30x 0.00016; 1000 Genomes Project 0.00020.
gnomAD v4.1: 37 of 1,614,172 alleles (0.0023%); highest among the groups gnomAD compares: South Asian, 0.036%; no homozygotes.

Submissions (8):

Department of Genetics, Sultan Qaboos University Hospital
Classification: Uncertain significance for Pyridoxine-dependent epilepsy. Last evaluated: 2024-06-12. Review status: criteria provided, single submitter. Criteria: ACMG Guidelines, 2015. Collection method: curation. Allele origin: unknown. Affected: yes.

Labcorp Genetics (formerly Invitae), Labcorp
Classification: Pathogenic for Pyridoxine-dependent epilepsy. Last evaluated: 2024-06-04. Review status: criteria provided, single submitter. Criteria: Invitae Variant Classification Sherloc (09022015). Collection method: clinical testing. Allele origin: germline.
Comment: This sequence change replaces arginine, which is basic and polar, with lysine, which is basic and polar, at codon 519 of the ALDH7A1 protein (p.Arg519Lys). This variant is present in population databases (rs561343926, gnomAD 0.02%). This missense change has been observed in individual(s) with pyridoxine-dependent epilepsy (PMID: 23925287). This variant is also known as p.Arg491Lys. ClinVar contains an entry for this variant (Variation ID: 623338). Advanced modeling of protein sequence and biophysical properties (such as structural, functional, and spatial information, amino acid conservation, physicochemical variation, residue mobility, and thermodynamic stability) performed at Invitae indicates that this missense variant is expected to disrupt ALDH7A1 protein function with a positive predictive value of 80%. For these reasons, this variant has been classified as Pathogenic.

Women's Health and Genetics/Laboratory Corporation of America, LabCorp
Classification: Likely pathogenic for Pyridoxine-dependent epilepsy. Last evaluated: 2023-09-29. Review status: criteria provided, single submitter. Criteria: LabCorp Variant Classification Summary - May 2015. Collection method: clinical testing. Allele origin: germline.
Comment: Variant summary: ALDH7A1 c.1556G>A (p.Arg519Lys) results in a conservative amino acid change located in the Aldehyde dehydrogenase domain (IPR015590) of the encoded protein sequence. Four of five in-silico tools predict a damaging effect of the variant on protein function. The variant allele was found at a frequency of 4e-05 in 251428 control chromosomes. This frequency is not significantly higher than estimated for a pathogenic variant in ALDH7A1 causing Pyridoxine-Dependent Epilepsy (4e-05 vs 0.0018), allowing no conclusion about variant significance. c.1556G>A has been reported in the literature as a homozygous genotype in individuals affected with Pyridoxine-Dependent Epilepsy (Jagadeesh_2013, Krantz_2021). These data indicate that the variant is likely to be associated with disease. To our knowledge, no experimental evidence demonstrating an impact on protein function has been reported. The following publications have been ascertained in the context of this evaluation (PMID: 23925287, 34570182). Four submitters have cited clinical-significance assessments for this variant to ClinVar after 2014 and classified as VUS (n=2) and pathogenic/likely pathogenic (n=2). Based on the evidence outlined above, the variant was classified as likely pathogenic.

Blueprint Genetics
Classification: Pathogenic for ALDH7A1-related disorders. Last evaluated: 2023-08-17. Review status: criteria provided, single submitter. Criteria: ACMG Guidelines, 2015. Collection method: clinical testing. Allele origin: germline. Affected: yes. Observed: 3 variant alleles.

Revvity Omics, Revvity
Classification: Likely pathogenic for Pyridoxine-dependent epilepsy. Last evaluated: 2022-11-01. Review status: criteria provided, single submitter. Criteria: ACMG Guidelines, 2015. Collection method: clinical testing. Allele origin: germline.

Illumina Laboratory Services, Illumina
Classification: Uncertain significance for Pyridoxine-dependent epilepsy. Last evaluated: 2019-02-01. Review status: criteria provided, single submitter. Criteria: ICSLVariantClassificationCriteria RUGD 01 April 2020. Collection method: clinical testing. Allele origin: unknown.
Comment: The ALDH7A1 c.1556G>A (p.Arg519Lys) variant is a missense variant. This variant, which is also known as c.1472G>A (p.Arg491Lys), has been reported in a homozygous state in one individual with developmental delay and seizures that were refractory to conventional anti-epileptics but responsive to pyridoxine (Jagadeesh et al. 2013). Urinary Î±AASA levels were elevated, consistent with Î±AASA dehydrogenase deficiency. The p.Arg519Lys variant is reported at a frequency of 0.000229 in the South Asian population of the Genome Aggregation Database. This variant is located in the C-terminus of the protein, which is important for oligomerization and the catalytic activity of the enzyme (Korasick et al. 2017), and multiple in silico algorithms predict this variant to have a deleterious effect. However, functional studies have not been conducted. Based on the evidence and the application of the ACMG criteria, the p.Arg519Lys variant is classified as a variant of uncertain significance for pyridoxine-dependent epilepsy.

Kasturba Medical College, Manipal, Kasturba Medical College, Manipal, Manipal Academy of Higher Education, Manipal, India
Classification: Likely pathogenic for Pyridoxine-dependent epilepsy. Review status: criteria provided, single submitter. Criteria: ACMG Guidelines, 2015. Collection method: clinical testing. Allele origin: inherited. Inheritance: Autosomal recessive inheritance. Affected: yes.

Lifecell International Pvt. Ltd
Classification: Likely pathogenic for Pyridoxine-dependent epilepsy. Review status: criteria provided, single submitter. Criteria: ACMG Guidelines, 2015. Collection method: clinical testing. Allele origin: germline. Inheritance: Autosomal recessive inheritance. Affected: yes. Observed: 1 compound heterozygote.
Comment: A Heterozygous Missense variant c.1556G>A in Exon 17 of the ALDH7A1 gene that results in the amino acid substitution p.Arg519Lys was identified. The observed variant has a minor allele frequency of 0.00004/0% in gnomAD exomes and genomes, respectively. The severity of the impact of this variant on the protein is high, based on the effect of the protein and REVEL score . Rare Exome Variant Ensemble Learner (REVEL) is an ensembl method for predicting the pathogenicity of missense variants based on a combination of scores from 13 individual tools: MutPred, FATHMM v2.3, VEST 3.0, PolyPhen-2, SIFT, PROVEAN, MutationAssessor, MutationTaster, LRT, GERP++, SiPhy, phyloP, and phastCons. The REVEL score for an individual missense variant can range from 0 to 1, with higher scores reflecting greater likelihood that the variant is disease-causing. ClinVar has also classified this variant as Conflicting Interpretations of Pathogenicity (Variant ID: 623338). This variant, which is also known as c.1472G>A (p.Arg491Lys), has been reported in a homozygous state in one individual with developmental delay and seizures that were refractory to conventional anti-epileptics but responsive to pyridoxine (Jagadeesh et al. 2013). Based on the above evidence this variant has been classified as Likely Pathogenic according to the ACMG guidelines.

Literature cited by the submitters: PubMed 23925287 (cited by 4 submitters); PubMed 34570182 (cited by Women's Health and Genetics/Laboratory Corporation of America, LabCorp); PubMed 29045138 (cited by Illumina Laboratory Services, Illumina).

NM_001182.5(ALDH7A1):c.1556G>A (p.Arg519Lys)

Gene: ALDH7A1 (aldehyde dehydrogenase 7 family member A1; minus strand). Cytogenetic location: 5q23.2.
Variant type: single nucleotide variant.
Coding change: c.1556G>A on transcript NM_001182.5 (MANE Select); coding-DNA position 1556, G replaced by A.
Protein change: p.Arg519Lys; replaces arginine 519 with lysine.
Molecular consequence: missense variant.
Genome position (GRCh38, 1-based): chr5:126,546,333, C>T on the plus strand (G>A on the coding strand, the complement: ALDH7A1 is on the minus strand). VCF-style: chr5-126546333-C-T. GRCh37 (hg19) VCF-style: chr5-125882025-C-T.
Other names: c.1472G>A, p.Arg491Lys (NM_001201377.2); c.1364G>A, p.Arg455Lys (NM_001202404.2); short protein forms R519K, R491K, R455K.
Identifiers: ClinVar variation 623338 (VCV000623338.24), dbSNP rs561343926, ClinGen allele CA3389371.